The following is an entry in ClinVar:

ClinVar aggregate classification (germline): Uncertain significance (1 of 4 stars; one submission).

Conditions:
Hereditary cancer-predisposing syndrome. Also called: Tumor predisposition; Hereditary Cancer Syndrome; Hereditary neoplastic syndrome; Neoplastic Syndromes, Hereditary. Identifiers: Orphanet 140162, MedGen C0027672, MeSH D009386, MONDO:0015356.

Submission:

Ambry Genetics
Classification: Uncertain significance for Hereditary cancer-predisposing syndrome. Last evaluated: 2024-06-09. Review status: criteria provided, single submitter. Criteria: Ambry Variant Classification Scheme 2023. Collection method: clinical testing. Allele origin: germline.
Comment: The p.M350T variant (also known as c.1049T>C), located in coding exon 10 of the FANCC gene, results from a T to C substitution at nucleotide position 1049. The methionine at codon 350 is replaced by threonine, an amino acid with similar properties. This amino acid position is conserved. In addition, this alteration is predicted to be tolerated by in silico analysis. Based on the available evidence, the clinical significance of this variant remains unclear.

NM_000136.3(FANCC):c.1049T>C (p.Met350Thr)

Genes: AOPEP (aminopeptidase O (putative); plus strand), FANCC (FA complementation group C; minus strand). Cytogenetic location: 9q22.32.
Variant type: single nucleotide variant.
Coding change: c.1049T>C on transcript NM_000136.3 (MANE Select); coding-DNA position 1049, T replaced by C.
Protein change: p.Met350Thr; replaces methionine 350 with threonine.
Molecular consequence: missense variant.
Genome position (GRCh38, 1-based): chr9:95,117,338, A>G on the plus strand (T>C on the coding strand, the complement: FANCC is on the minus strand). VCF-style: chr9-95117338-A-G. GRCh37 (hg19) VCF-style: chr9-97879620-A-G.
Other names: c.1049T>C, p.Met350Thr (NM_001243743.2, NM_001243744.2); short protein forms M350T.
Identifiers: ClinVar variation 3277651 (VCV003277651.1).